The following is an entry in ClinVar:

NM_013338.5(ALG5):c.969G>A (p.Met323Ile)

Gene: ALG5 (ALG5 dolichyl-phosphate beta-glucosyltransferase; minus strand). Cytogenetic location: 13q13.3.
Variant type: single nucleotide variant.
Coding change: c.969G>A on transcript NM_013338.5 (MANE Select); coding-DNA position 969, G replaced by A.
Protein change: p.Met323Ile; replaces methionine 323 with isoleucine.
Molecular consequence: missense variant.
Genome position (GRCh38, 1-based): chr13:36,949,948, C>T on the plus strand (G>A on the coding strand, the complement: ALG5 is on the minus strand). VCF-style: chr13-36949948-C-T. GRCh37 (hg19) VCF-style: chr13-37524085-C-T.
Other names: c.879G>A, p.Met293Ile (NM_001142364.1); short protein forms M293I, M323I.
Identifiers: ClinVar variation 4980094 (VCV004980094.1).

ClinVar aggregate classification (germline): Likely benign (1 of 4 stars; one submission).

Conditions:
ALG5-related disorder. Also called: ALG5-related condition.

gnomAD v4.1: 253 of 1,607,728 alleles (0.016%); highest among the groups gnomAD compares: African/African-American, 0.25%; 1 homozygote.

Submission:

PreventionGenetics, part of Exact Sciences
Classification: Likely benign for ALG5-related condition. Last evaluated: 2026-09-14. Review status: criteria provided, single submitter. Criteria: ACMG Guidelines, 2015. Collection method: clinical testing. Allele origin: germline.
Comment: This variant is classified as likely benign based on ACMG/AMP sequence variant interpretation guidelines (Richards et al. 2015 PMID: 25741868, with internal and published modifications).